The following is an entry in ClinVar:

NM_002161.6(IARS1):c.2368C>T (p.Pro790Ser)

Gene: IARS1 (isoleucyl-tRNA synthetase 1; minus strand). Cytogenetic location: 9q22.31.
Variant type: single nucleotide variant.
Coding change: c.2368C>T on transcript NM_002161.6 (MANE Select); coding-DNA position 2368, C replaced by T.
Protein change: p.Pro790Ser; replaces proline 790 with serine.
Molecular consequence: missense variant. On other transcripts: non-coding transcript variant (1), intron variant (3).
Genome position (GRCh38, 1-based): chr9:92,250,774, G>A on the plus strand (C>T on the coding strand, the complement: IARS1 is on the minus strand). VCF-style: chr9-92250774-G-A. GRCh37 (hg19) VCF-style: chr9-95013056-G-A.
Other names: c.2284C>T, p.Pro762Ser (NM_001374301.1); c.2431C>T, p.Pro811Ser (NM_001378569.1); c.2389C>T, p.Pro797Ser (NM_001378571.1); c.2368C>T, p.Pro790Ser (NM_001378572.1, NM_001378573.1, NM_001378574.1 and 9 more transcripts); c.2272C>T, p.Pro758Ser (NM_001378582.1); c.2245C>T, p.Pro749Ser (NM_001378583.1); c.2308-15C>T (NM_001378584.1, NM_001374299.1, NM_001374300.1); short protein forms P749S, P758S, P762S, P790S, P797S, P811S.
Identifiers: ClinVar variation 2580025 (VCV002580025.2), dbSNP rs773716619, ClinGen allele CA5122233.

ClinVar aggregate classification (germline): Uncertain significance (1 of 4 stars; one submission).

Allele frequency attached by ClinVar (database versions not stated): gnomAD exomes below 0.00001; ExAC 0.00001; gnomAD 0.00003; TOPMed 0.00006.
gnomAD v4.1: 6 of 1,613,500 alleles (0.00037%); highest among the groups gnomAD compares: Admixed American, 0.0033%; no homozygotes.

Submission:

GeneDx
Classification: Uncertain significance. Last evaluated: 2025-07-28. Review status: criteria provided, single submitter. Criteria: GeneDx Variant Classification Process June 2021. Collection method: clinical testing. Allele origin: germline.
Comment: In silico analysis supports that this missense variant has a deleterious effect on protein structure/function; Has not been previously published as pathogenic or benign to our knowledge